The following is an entry in ClinVar:

NM_001734.5(C1S):c.735G>A (p.Arg245=)

Gene: C1S (complement C1s; plus strand). Cytogenetic location: 12p13.31.
Variant type: single nucleotide variant.
Coding change: c.735G>A on transcript NM_001734.5 (MANE Select); coding-DNA position 735, G replaced by A.
Protein change: p.Arg245=; no amino-acid change (arginine 245 retained).
Molecular consequence: synonymous variant.
Genome position (GRCh38, 1-based): chr12:7,065,834, G>A. VCF-style: chr12-7065834-G-A. GRCh37 (hg19) VCF-style: chr12-7173138-G-A.
Other names: p.Arg245=; c.234G>A, p.Arg78= (NM_001346850.2); c.735G>A, p.Arg245= (NM_201442.4).
Identifiers: ClinVar variation 2979692 (VCV002979692.4), dbSNP rs782275336, ClinGen allele CA6423572.
Genomic context (GRCh38, chr12:7,065,834, plus strand): 5'-CCCTTTAGTTCTTTCCCTCTTCTGATTTCATCATTTTGTTCAGTTTGTTGCAGGAGATCG[G>A]CAATTTGGTCCTTACTGTGGTCATGGATTCCCTGGGCCTCTAAATATTGAAACCAAGAGT-3'
Protein context (NP_001725.1, residues 235-255): LDSLVFVAGD[Arg245=]QFGPYCGHGF

ClinVar aggregate classification (germline): Likely benign. Review status: criteria provided, multiple submitters, no conflicts (2 of 4 stars). 2 submissions from 2 submitters: Likely benign (2). Last evaluated 2025-08-07.

Allele frequency attached by ClinVar (database versions not stated): TOPMed below 0.00001; gnomAD 0.00001.
gnomAD v4.1: 22 of 1,612,582 alleles (0.0014%); highest among the groups gnomAD compares: Non-Finnish European, 0.0019%; no homozygotes.

Submissions (2):

Mayo Clinic Laboratories, Mayo Clinic
Classification: Likely benign. Last evaluated: 2025-08-07. Review status: criteria provided, single submitter. Criteria: ACMG Guidelines, 2015. Collection method: clinical testing. Allele origin: germline. Observed: 2 variant alleles.
Comment: BP4, BP7

Labcorp Genetics (formerly Invitae), Labcorp
Classification: Likely benign. Last evaluated: 2024-04-25. Review status: criteria provided, single submitter. Criteria: Invitae Variant Classification Sherloc (09022015). Collection method: clinical testing. Allele origin: germline.